The following is an entry in ClinVar:

NM_147164.3(CNTFR):c.700G>C (p.Asp234His)

Gene: CNTFR (ciliary neurotrophic factor receptor; minus strand). Cytogenetic location: 9p13.3.
Variant type: single nucleotide variant.
Coding change: c.700G>C on transcript NM_147164.3 (MANE Select); coding-DNA position 700, G replaced by C.
Protein change: p.Asp234His; replaces aspartic acid 234 with histidine.
Molecular consequence: missense variant.
Genome position (GRCh38, 1-based): chr9:34,556,323, C>G on the plus strand (G>C on the coding strand, the complement: CNTFR is on the minus strand). VCF-style: chr9-34556323-C-G. GRCh37 (hg19) VCF-style: chr9-34556321-C-G.
Other names: c.700G>C, p.Asp234His (NM_001207011.2, NM_001842.5); short protein forms D234H.
Identifiers: ClinVar variation 161574 (VCV000161574.2), dbSNP rs193920748, ClinGen allele CA174375.
Genomic context (GRCh38, chr9:34,556,323, plus strand): 5'-ACTGGTCCAGGATGAGGGGTCGGTAGCGCAGAAAGAACTTGAGAGGAAAAGACTCAGGGT[C>G]AGGCCAGGTCGAGGGGGTCTGCCACGTCACCTCCAGCCGGCGAGGGTTGCTGGGCACTGG-3'
Protein context (NP_671693.1, residues 224-244): VTWQTPSTWP[Asp234His]PESFPLKFFL

ClinVar aggregate classification (germline): Uncertain significance (0 of 4 stars; one submission).

Conditions:
Prostate cancer. Also called: Malignant tumor of prostate. Identifiers: Orphanet 1331, MedGen C0376358, MONDO:0008315, HP:0012125.

Allele frequency attached by ClinVar (database versions not stated): gnomAD exomes below 0.00001.
gnomAD v4.1: 1 of 1,613,976 alleles (0.000062%); highest among the groups gnomAD compares: Non-Finnish European, 0.000085%; no homozygotes.

Submission:

Science for Life laboratory,  Karolinska Institutet
Classification: Uncertain significance for Malignant tumor of prostate. Review status: no assertion criteria provided. Collection method: not provided. Allele origin: somatic.
Comment: TumorID:SWE-1
ClinVar note: Converted during submission from Unknown to Uncertain significance.